The following is an entry in ClinVar:

ClinVar aggregate classification (germline): Uncertain significance (1 of 4 stars; one submission).

Conditions:
Hereditary nonpolyposis colorectal neoplasms. Identifiers: MedGen C0009405, MeSH D003123.

Submission:

Labcorp Genetics (formerly Invitae), Labcorp
Classification: Uncertain significance for Hereditary nonpolyposis colorectal neoplasms. Last evaluated: 2022-03-05. Review status: criteria provided, single submitter. Criteria: Invitae Variant Classification Sherloc (09022015). Collection method: clinical testing. Allele origin: germline.
Comment: Advanced modeling of protein sequence and biophysical properties (such as structural, functional, and spatial information, amino acid conservation, physicochemical variation, residue mobility, and thermodynamic stability) performed at Invitae indicates that this missense variant is not expected to disrupt MSH6 protein function. This variant has not been reported in the literature in individuals affected with MSH6-related conditions. This variant is not present in population databases (gnomAD no frequency). This sequence change replaces alanine, which is neutral and non-polar, with glycine, which is neutral and non-polar, at codon 494 of the MSH6 protein (p.Ala494Gly). In summary, the available evidence is currently insufficient to determine the role of this variant in disease. Therefore, it has been classified as a Variant of Uncertain Significance.

NM_000179.3(MSH6):c.1481C>G (p.Ala494Gly)

Gene: MSH6 (mutS homolog 6; plus strand). Cytogenetic location: 2p16.3.
Variant type: single nucleotide variant.
Coding change: c.1481C>G on transcript NM_000179.3 (MANE Select); coding-DNA position 1481, C replaced by G.
Protein change: p.Ala494Gly; replaces alanine 494 with glycine.
Molecular consequence: missense variant.
Genome position (GRCh38, 1-based): chr2:47,799,464, C>G. VCF-style: chr2-47799464-C-G. GRCh37 (hg19) VCF-style: chr2-48026603-C-G.
Other names: c.1091C>G, p.Ala364Gly (NM_001281492.2); c.575C>G, p.Ala192Gly (NM_001281493.2, NM_001281494.2, NM_001406811.1 and 6 more transcripts); c.1577C>G, p.Ala526Gly (NM_001406795.1, NM_001406802.1); c.1481C>G, p.Ala494Gly (NM_001406796.1, NM_001406798.1, NM_001406800.1 and 4 more transcripts); c.1184C>G, p.Ala395Gly (NM_001406797.1, NM_001406801.1, NM_001406805.1 and 10 more transcripts); c.956C>G, p.Ala319Gly (NM_001406799.1, NM_001406806.1, NM_001406807.1); c.1403C>G, p.Ala468Gly (NM_001406804.1); c.1487C>G, p.Ala496Gly (NM_001406813.1); and 1 more; short protein forms A319G, A438G, A496G, A526G, A468G, A494G, A192G, A364G.
Identifiers: ClinVar variation 2107070 (VCV002107070.4), dbSNP rs1264762735, ClinGen allele CA346746045.